The following is an entry in ClinVar:

NC_000012.11:g.(?_102158416)_(102185374_?)del

Gene: GNPTAB (N-acetylglucosamine-1-phosphate transferase subunits alpha and beta; minus strand). Cytogenetic location: 12q23.2.
Variant type: Deletion.
Identifiers: ClinVar variation 2426816 (VCV002426816.4).

ClinVar aggregate classification (germline): Likely pathogenic (1 of 4 stars; one submission).

Conditions:
Mucolipidosis type II. Also called: ML II ALPHA/BETA; Mucolipidosis 2; ML 2; Inclusion cell disease; Leroy Disease; N-acetylglucosamine 1phosphotransferase deficiency. Identifiers: Orphanet 576, MedGen C2673377, MONDO:0009650, OMIM 252500.
Pseudo-Hurler polydystrophy. Also called: ML III; ML III ALPHA/BETA; Type III Mucolipidosis; ML IIIA; Mucolipidosis III Alpha/Beta; MUCOLIPIDOSIS IIIA. Identifiers: Orphanet 423461, Orphanet 577, MedGen C0033788, MONDO:0018931, OMIM 252600.

Submission:

Labcorp Genetics (formerly Invitae), Labcorp
Classification: Likely pathogenic for Pseudo-Hurler polydystrophy; Mucolipidosis type II. Last evaluated: 2022-08-15. Review status: criteria provided, single submitter. Criteria: Invitae Variant Classification Sherloc (09022015). Collection method: clinical testing. Allele origin: germline.
Comment: This variant has not been reported in the literature in individuals affected with GNPTAB-related conditions. This variant results in the deletion of exon 3-12 and part of exon13 of the GNPTAB gene. It is expected to disrupt RNA splicing. Variants that disrupt the donor or acceptor splice site typically lead to a loss of protein function (PMID: 16199547), and loss-of-function variants in GNPTAB are known to be pathogenic (PMID: 19617216, 25107912). In summary, the currently available evidence indicates that the variant is pathogenic, but additional data are needed to prove that conclusively. Therefore, this variant has been classified as Likely Pathogenic.

Literature cited by the submitters: PubMed 16199547; PubMed 19617216; PubMed 25107912.